The following is an entry in ClinVar:

NM_001384732.1(CPLANE1):c.1624G>C (p.Gly542Arg)

Gene: CPLANE1 (ciliogenesis and planar polarity effector complex subunit 1; minus strand). Cytogenetic location: 5p13.2.
Variant type: single nucleotide variant.
Coding change: c.1624G>C on transcript NM_001384732.1 (MANE Select); coding-DNA position 1624, G replaced by C.
Protein change: p.Gly542Arg; replaces glycine 542 with arginine.
Molecular consequence: missense variant.
Genome position (GRCh38, 1-based): chr5:37,226,971, C>G on the plus strand (G>C on the coding strand, the complement: CPLANE1 is on the minus strand). VCF-style: chr5-37226971-C-G. GRCh37 (hg19) VCF-style: chr5-37227073-C-G.
Other names: c.1624G>C, p.Gly542Arg (NM_023073.4); short protein forms G542R.
Identifiers: ClinVar variation 2115293 (VCV002115293.4), dbSNP rs1250993026, ClinGen allele CA359501139.
Genomic context (GRCh38, chr5:37,226,971, plus strand): 5'-TCTCCTCACTATCATCCTTTGCATGTATCGTATCAAACATAGATGCAAATTCCAATCTTC[C>G]TTCCTTCATACTACTACACAGCACATCATCTCTTTTGTTCCAAAAAGGACATAAGTTGTC-3'
Protein context (NP_001371661.1, residues 532-552): DDVLCSSMKE[Gly542Arg]RLEFASMFDT

ClinVar aggregate classification (germline): Uncertain significance (1 of 4 stars; one submission).

Submission:

Labcorp Genetics (formerly Invitae), Labcorp
Classification: Uncertain significance. Last evaluated: 2022-03-20. Review status: criteria provided, single submitter. Criteria: Invitae Variant Classification Sherloc (09022015). Collection method: clinical testing. Allele origin: germline.
Comment: This variant has not been reported in the literature in individuals affected with CPLANE1-related conditions. This variant is not present in population databases (gnomAD no frequency). This sequence change replaces glycine, which is neutral and non-polar, with arginine, which is basic and polar, at codon 542 of the CPLANE1 protein (p.Gly542Arg). In summary, the available evidence is currently insufficient to determine the role of this variant in disease. Therefore, it has been classified as a Variant of Uncertain Significance. Advanced modeling of protein sequence and biophysical properties (such as structural, functional, and spatial information, amino acid conservation, physicochemical variation, residue mobility, and thermodynamic stability) performed at Invitae indicates that this missense variant is expected to disrupt CPLANE1 protein function.